The following is an entry in ClinVar:

ClinVar aggregate classification (germline): Uncertain significance (1 of 4 stars; one submission).

Conditions:
Familial thoracic aortic aneurysm and aortic dissection (TAAD). Also called: Thoracic aortic aneurysms and dissections. Identifiers: Orphanet 91387, MedGen C4707243, MONDO:0019625.

Submission:

Ambry Genetics
Classification: Uncertain significance for Familial thoracic aortic aneurysm and aortic dissection. Last evaluated: 2016-08-15. Review status: criteria provided, single submitter. Criteria: Ambry Variant Classification Scheme 2023. Collection method: clinical testing. Allele origin: germline.
Comment: The p.A644P variant (also known as c.1930G>C), located in coding exon 15 of the FBN1 gene, results from a G to C substitution at nucleotide position 1930. The alanine at codon 644 is replaced by proline, an amino acid with highly similar properties, and is located in the cb EGF-like #06 domain. This variant was not reported in population based cohorts in the following databases: Database of Single Nucleotide Polymorphisms (dbSNP), NHLBI Exome Sequencing Project (ESP), and 1000 Genomes Project. In the ESP, this variant was not observed in 6493 samples (12986 alleles) with coverage at this position. This amino acid position is well conserved in available vertebrate species. In addition, the in silico prediction for this alteration is inconclusive. Since supporting evidence is limited at this time, the clinical significance of this variant remains unclear.

NM_000138.5(FBN1):c.1930G>C (p.Ala644Pro)

Gene: FBN1 (fibrillin 1; minus strand). Cytogenetic location: 15q21.1.
Variant type: single nucleotide variant.
Coding change: c.1930G>C on transcript NM_000138.5 (MANE Select); coding-DNA position 1930, G replaced by C.
Protein change: p.Ala644Pro; replaces alanine 644 with proline.
Molecular consequence: missense variant.
Genome position (GRCh38, 1-based): chr15:48,505,055, C>G on the plus strand (G>C on the coding strand, the complement: FBN1 is on the minus strand). VCF-style: chr15-48505055-C-G. GRCh37 (hg19) VCF-style: chr15-48797252-C-G.
Other names: short protein forms A644P.
Identifiers: ClinVar variation 519731 (VCV000519731.5), dbSNP rs1555399809, ClinGen allele CA392339014.